The following is an entry in ClinVar:

ClinVar aggregate classification (germline): Uncertain significance (1 of 4 stars; one submission).

gnomAD v4.1: 1 of 1,230,682 alleles (0.000081%); no homozygotes.

Submission:

Labcorp Genetics (formerly Invitae), Labcorp
Classification: Uncertain significance. Last evaluated: 2024-03-24. Review status: criteria provided, single submitter. Criteria: Invitae Variant Classification Sherloc (09022015). Collection method: clinical testing. Allele origin: germline.
Comment: This sequence change replaces arginine, which is basic and polar, with glutamine, which is neutral and polar, at codon 151 of the CTF1 protein (p.Arg151Gln). The frequency data for this variant in the population databases is considered unreliable, as metrics indicate insufficient coverage at this position in the gnomAD database. This variant has not been reported in the literature in individuals affected with CTF1-related conditions. An algorithm developed to predict the effect of missense changes on protein structure and function (PolyPhen-2) suggests that this variant is likely to be tolerated. In summary, the available evidence is currently insufficient to determine the role of this variant in disease. Therefore, it has been classified as a Variant of Uncertain Significance.

NM_001330.5(CTF1):c.452G>A (p.Arg151Gln)

Genes: CTF1 (cardiotrophin 1; plus strand), LOC130058878 (ATAC-STARR-seq lymphoblastoid silent region 7400; plus strand). Cytogenetic location: 16p11.2.
Variant type: single nucleotide variant.
Coding change: c.452G>A on transcript NM_001330.5 (MANE Select); coding-DNA position 452, G replaced by A.
Protein change: p.Arg151Gln; replaces arginine 151 with glutamine.
Molecular consequence: missense variant. On other transcripts: non-coding transcript variant (1).
Genome position (GRCh38, 1-based): chr16:30,902,385, G>A. VCF-style: chr16-30902385-G-A. GRCh37 (hg19) VCF-style: chr16-30913706-G-A.
Other names: c.449G>A, p.Arg150Gln (NM_001142544.3); short protein forms R150Q, R151Q.
Identifiers: ClinVar variation 3615371 (VCV003615371.2).